The following is an entry in ClinVar:

ClinVar aggregate classification (germline): Likely pathogenic (1 of 4 stars; one submission).

Conditions:
Bifunctional peroxisomal enzyme deficiency (DBIF). Also called: DBP DEFICIENCY; PBFE DEFICIENCY; D-bifunctional protein deficiency. Identifiers: Orphanet 300, MedGen C0342870, MONDO:0009855, OMIM 261515. Disease mechanism: loss of function.

Submission:

Myriad Genetics, Inc.
Classification: Likely pathogenic for Bifunctional peroxisomal enzyme deficiency. Last evaluated: 2021-12-08. Review status: criteria provided, single submitter. Criteria: Myriad Autosomal Dominant, Autosomal Recessive and X-Linked Classification Criteria (2023). Collection method: clinical testing. Allele origin: unknown.
Comment: NM_000414.3(HSD17B4):c.1021_1022ins7(E341Gfs*2) is expected to be pathogenic in the context of HSD17B4-related disorders. This variant is predicted to lead to an abnormal or absent protein product due to the creation of a premature termination codon in HSD17B4, a gene where loss-of-function variants are known to be pathogenic. Please note: this variant was assessed in the context of healthy population screening.

NM_000414.4(HSD17B4):c.1021_1022insGTTGATT (p.Glu341delinsGlyTer)

Gene: HSD17B4 (hydroxysteroid 17-beta dehydrogenase 4; plus strand). Cytogenetic location: 5q23.1.
Variant type: Insertion.
Coding change: c.1021_1022insGTTGATT on transcript NM_000414.4 (MANE Select); coding-DNA positions 1021 to 1022, GTTGATT inserted.
Protein change: p.Glu341delinsGlyTer.
Molecular consequence: nonsense. On other transcripts: non-coding transcript variant (2).
Genome position: GRCh38 VCF-style: chr5-119499365-G-GGTTGATT. GRCh37 (hg19) VCF-style: chr5-118835060-G-GGTTGATT.
Other names: c.1096_1097insGTTGATT, p.Glu366delinsGlyTer (NM_001199291.3); c.967_968insGTTGATT, p.Glu323delinsGlyTer (NM_001199292.2); c.949_950insGTTGATT, p.Glu317delinsGlyTer (NM_001292027.2); c.601_602insGTTGATT, p.Glu201delinsGlyTer (NM_001292028.2); c.1012_1013insGTTGATT, p.Glu338delinsGlyTer (NM_001374497.1); c.1021_1022insGTTGATT, p.Glu341delinsGlyTer (NM_001374498.1); c.694_695insGTTGATT, p.Glu232delinsGlyTer (NM_001374499.1); c.580_581insGTTGATT, p.Glu194delinsGlyTer (NM_001374500.1); and 1 more.
Identifiers: ClinVar variation 1725982 (VCV001725982.3), dbSNP rs2531742054, ClinGen allele CA2580072431.
Genomic context (GRCh38, chr5:119,499,365, plus strand): 5'-AACTGTTCTTAGGCTGGAGCTATTGGCCAGAAACTCCCTCCATTTTCTTATGCTTATACG[G>GGTTGATT]AACTGGAAGCTATTATGTATGCCCTTGGAGTGGGAGCGTCAATCAAGGATCCAAAAGATT-3'